The following is an entry in ClinVar:

NM_015340.4(LARS2):c.-88+10C>G

Gene: LARS2 (leucyl-tRNA synthetase 2, mitochondrial; plus strand). Cytogenetic location: 3p21.31.
Variant type: single nucleotide variant.
Coding change: c.-88+10C>G on transcript NM_015340.4 (MANE Select); 10 bases into the intron after 88 bases upstream of the start codon, C replaced by G.
Molecular consequence: intron variant.
Genome position (GRCh38, 1-based): chr3:45,388,690, C>G. VCF-style: chr3-45388690-C-G. GRCh37 (hg19) VCF-style: chr3-45430182-C-G.
Other names: c.-22+10C>G (NM_001368263.1).
Identifiers: ClinVar variation 508304 (VCV000508304.1), dbSNP rs1553625371, ClinGen allele CA658796299.
Genomic context (GRCh38, chr3:45,388,690, plus strand): 5'-AAAGGTGGAGAACGAGGAGTAGAGGAGCCGCAGGCCAGAGCCTGTGAGCAGGTAAACCCC[C>G]GGACCGGGCGCAGCGAGATGAGAGACGAGGCCCAGTCTCCTCTTCCTCCGGCTCGGGAGA-3'

ClinVar aggregate classification (germline): Likely benign (1 of 4 stars; one submission).

Submission:

GeneDx
Classification: Likely benign. Last evaluated: 2017-04-07. Review status: criteria provided, single submitter. Criteria: GeneDx Variant Classification (06012015). Collection method: clinical testing. Allele origin: germline. Affected: yes.
Comment: This variant is considered likely benign or benign based on one or more of the following criteria: it is a conservative change, it occurs at a poorly conserved position in the protein, it is predicted to be benign by multiple in silico algorithms, and/or has population frequency not consistent with disease.